The following is an entry in ClinVar:

ClinVar aggregate classification (germline): Uncertain significance (1 of 4 stars; one submission).

Conditions:
Gorlin syndrome. Also called: Nevoid Basal Cell Carcinoma Syndrome; Basal cell nevus syndrome. Identifiers: Orphanet 377, MedGen C0004779, MONDO:0007187.

Submission:

Labcorp Genetics (formerly Invitae), Labcorp
Classification: Uncertain significance for Gorlin syndrome. Last evaluated: 2015-07-09. Review status: criteria provided, single submitter. Criteria: Invitae Variant Classification Sherloc (09022015). Collection method: clinical testing. Allele origin: germline.
Comment: This variant, c.531_533delACA, is a complex sequence change that results in the deletion of 1 amino acids of the PTCH1 protein (p.Gln177del), but otherwise preserves the integrity of the reading frame. This variant has been reported in the literature in an individual affected with Gorlin syndrome (PMID: 12925203) and is not present in population databases. In summary, this is a rare missense change that is not predicted to affect the reading frame of the PTCH1 mRNA. for this reason It has been classified as a Variant of Uncertain Significance.

Literature cited by the submitters: PubMed 12925203.

NM_000264.5(PTCH1):c.528ACA[1] (p.Gln177del)

Gene: PTCH1 (patched 1; minus strand). Cytogenetic location: 9q22.32.
Variant type: Microsatellite.
Coding change: c.528ACA[1] on transcript NM_000264.5 (MANE Select); one copy of the 3-base unit ACA starting at c.528; the reference has two copies in a row; one copy, 3 bases deleted.
Protein change: p.Gln177del; deletes glutamine 177.
Molecular consequence: inframe deletion. On other transcripts: non-coding transcript variant (1).
Genome position (GRCh38, 1-based): chr9:95,485,736-95,485,738, TGT deleted on the plus strand (ACA on the coding strand, the reverse complement: PTCH1 is on the minus strand); deleting any 3 consecutive bases within chr9:95,485,736-95,485,741 gives the same sequence; the position shown is the placement nearest the transcript's 3' end. VCF-style (leftmost placement, unchanged base first): chr9-95485735-GTGT-G. GRCh37 (hg19) VCF-style: chr9-98248017-GTGT-G.
Other names: c.330ACA[1], p.Gln111del (NM_001083602.3, NM_001354919.2); c.525ACA[1], p.Gln176del (NM_001083603.3); c.75ACA[1], p.Gln26del (NM_001083604.3, NM_001083605.3, NM_001083606.3 and 1 more transcripts); c.528ACA[1], p.Gln177del (NM_001354918.2); short protein forms Q111del, Q177del, Q26del, Q176del.
Identifiers: ClinVar variation 219468 (VCV000219468.9), dbSNP rs864622108, ClinGen allele CA350718.